The following is an entry in ClinVar:

ClinVar aggregate classification (germline): Uncertain significance (1 of 4 stars; one submission).

Allele frequency attached by ClinVar (database versions not stated): gnomAD exomes below 0.00001.
gnomAD v4.1: 2 of 1,613,742 alleles (0.00012%); highest among the groups gnomAD compares: East Asian, 0.0022%; no homozygotes.

Submission:

GeneDx
Classification: Uncertain significance. Last evaluated: 2021-11-01. Review status: criteria provided, single submitter. Criteria: GeneDx Variant Classification Process June 2021. Collection method: clinical testing. Allele origin: germline. Affected: yes.
Comment: Not observed at significant frequency in large population cohorts (Lek et al., 2016); In silico analysis supports a deleterious effect on splicing; Has not been previously published as pathogenic or benign to our knowledge

NM_001846.4(COL4A2):c.726+3A>G

Gene: COL4A2 (collagen type IV alpha 2 chain; plus strand). Cytogenetic location: 13q34.
Variant type: single nucleotide variant.
Coding change: c.726+3A>G on transcript NM_001846.4 (MANE Select); 3 bases into the intron after coding-DNA position 726, A replaced by G.
Molecular consequence: intron variant.
Genome position (GRCh38, 1-based): chr13:110,434,445, A>G. VCF-style: chr13-110434445-A-G. GRCh37 (hg19) VCF-style: chr13-111086792-A-G.
Identifiers: ClinVar variation 1321655 (VCV001321655.2), dbSNP rs2139462565, ClinGen allele CA2573053776.
Genomic context (GRCh38, chr13:110,434,445, plus strand): 5'-TTATTTATCTTTTCAGGGCAACAGAGGACTTGGTTTCTACGGAGTTAAGGGTGAAAAGGT[A>G]AAGGAAGCCTGGTCAATTCCAGCAGAGGCATGCAGCATTTCTCAGCCAGGAAATAAATCA-3'